The following is an entry in ClinVar:

ClinVar aggregate classification (germline): Uncertain significance. Review status: criteria provided, multiple submitters, no conflicts (2 of 4 stars). 3 submissions from 3 submitters: Uncertain significance (3). Last evaluated 2024-11-13.

Conditions:
Familial thoracic aortic aneurysm and aortic dissection (TAAD). Also called: Thoracic aortic aneurysms and dissections. Identifiers: Orphanet 91387, MedGen C4707243, MONDO:0019625.
Aortic aneurysm, familial thoracic 7 (AAT7). Also called: AORTIC DISSECTION, FAMILIAL, WITH OR WITHOUT AORTIC ANEURYSM. Identifiers: MedGen C3151077, MONDO:0013418, OMIM 613780.

Submissions (3):

Ambry Genetics
Classification: Uncertain significance for Familial thoracic aortic aneurysm and aortic dissection. Last evaluated: 2024-11-13. Review status: criteria provided, single submitter. Criteria: Ambry Variant Classification Scheme 2023. Collection method: clinical testing. Allele origin: germline.
Comment: The c.2588_2596dupAGGAAGACG variant (also known as p.E863_D865dup), located in coding exon 15 of the MYLK gene, results from an in-frame duplication of AGGAAGACG at nucleotide positions 2588 to 2596. This results in the duplication of 3 extra residues (EED) between codons 863 and 865. This amino acid positions are well conserved in available vertebrate species. In addition, this alteration is predicted to be neutral by in silico analysis (Choi Y et al. PLoS ONE. 2012; 7(10):e46688). Based on the available evidence, the clinical significance of this variant remains unclear.

GeneDx
Classification: Uncertain significance. Last evaluated: 2024-08-23. Review status: criteria provided, single submitter. Criteria: GeneDx Variant Classification Process June 2021. Collection method: clinical testing. Allele origin: germline. Affected: yes.
Comment: Not observed at significant frequency in large population cohorts (gnomAD); In-frame insertion of 3 amino acids in a non-repeat region; In silico analysis indicates that this variant does not alter protein structure/function; Has not been previously published as pathogenic or benign to our knowledge

Labcorp Genetics (formerly Invitae), Labcorp
Classification: Uncertain significance for Aortic aneurysm, familial thoracic 7. Last evaluated: 2023-08-18. Review status: criteria provided, single submitter. Criteria: Invitae Variant Classification Sherloc (09022015). Collection method: clinical testing. Allele origin: germline.
Comment: In summary, the available evidence is currently insufficient to determine the role of this variant in disease. Therefore, it has been classified as a Variant of Uncertain Significance. Experimental studies and prediction algorithms are not available or were not evaluated, and the functional significance of this variant is currently unknown. This variant has not been reported in the literature in individuals affected with MYLK-related conditions. This variant is present in population databases (rs747353807, gnomAD 0.003%). This variant, c.2588_2596dup, results in the insertion of 3 amino acid(s) of the MYLK protein (p.Glu863_Asp865dup), but otherwise preserves the integrity of the reading frame.

NM_053025.4(MYLK):c.2588_2596dup (p.Asp865_Gly866insGluGluAsp)

Gene: MYLK (myosin light chain kinase; minus strand). Cytogenetic location: 3q21.1.
Variant type: Duplication.
Coding change: c.2588_2596dup on transcript NM_053025.4 (MANE Select); coding-DNA positions 2588 to 2596, 9 bases duplicated (AGGAAGACG; older notation c.2588_2596dupAGGAAGACG).
Protein change: p.Asp865_Gly866insGluGluAsp.
Molecular consequence: inframe insertion.
Genome position (GRCh38, 1-based): chr3:123,700,872-123,700,880, CGTCTTCCT duplicated on the plus strand (AGGAAGACG on the coding strand, the reverse complement: MYLK is on the minus strand); duplicating any 9 consecutive bases within chr3:123,700,872-123,700,881 gives the same sequence; the c. name uses the placement nearest the transcript's 3' end. VCF-style (leftmost placement, unchanged base first): chr3-123700871-C-CCGTCTTCCT. GRCh37 (hg19) VCF-style: chr3-123419718-C-CCGTCTTCCT.
Other names: c.2060_2068dup, p.Asp689_Gly690insGluGluAsp (NM_001321309.2); c.2381_2389dup, p.Asp796_Gly797insGluGluAsp (NM_053026.4, NM_053028.4); c.2588_2596dup, p.Asp865_Gly866insGluGluAsp (NM_053027.4); c.2588_2596dupAGGAAGACG (NM_053025.3); c.2588_2596dup (NM_053025.3).
Identifiers: ClinVar variation 2916368 (VCV002916368.3), dbSNP rs747353807, ClinGen allele CA2577967.